The following is an entry in ClinVar:

NM_000492.4(CFTR):c.3793G>A (p.Gly1265Arg)

Genes: CFTR (CF transmembrane conductance regulator; plus strand), CFTR-AS2 (CFTR antisense RNA 2; minus strand). Cytogenetic location: 7q31.2.
Variant type: single nucleotide variant.
Coding change: c.3793G>A on transcript NM_000492.4 (MANE Select); coding-DNA position 3793, G replaced by A.
Protein change: p.Gly1265Arg; replaces glycine 1265 with arginine.
Molecular consequence: missense variant.
Genome position (GRCh38, 1-based): chr7:117,642,513, G>A. VCF-style: chr7-117642513-G-A. GRCh37 (hg19) VCF-style: chr7-117282567-G-A.
Other names: short protein forms G1265R.
Identifiers: ClinVar variation 1706052 (VCV001706052.2), dbSNP rs2485159953, ClinGen allele CA368974938.

ClinVar aggregate classification (germline): Conflicting classifications of pathogenicity. Review status: criteria provided, conflicting classifications (1 of 4 stars). 2 submissions from 2 submitters: Likely pathogenic (1); Uncertain significance (1). Last evaluated 2025-09-29.

Conditions:
Cystic fibrosis (CF). Also called: MUCOVISCIDOSIS. Identifiers: Orphanet 586, MedGen C0010674, MONDO:0009061, OMIM 219700. Disease mechanism: loss of function.

Allele frequency attached by ClinVar (database versions not stated): gnomAD exomes below 0.00001.
gnomAD v4.1: 1 of 1,613,690 alleles (0.000062%); highest among the groups gnomAD compares: Non-Finnish European, 0.000085%; no homozygotes.

Submissions (2):

Women's Health and Genetics/Laboratory Corporation of America, LabCorp
Classification: Uncertain significance. Last evaluated: 2025-09-29. Review status: criteria provided, single submitter. Criteria: LabCorp Variant Classification Summary - May 2015. Collection method: clinical testing. Allele origin: germline.
Comment: Variant summary: CFTR c.3793G>A (p.Gly1265Arg) results in a non-conservative amino acid change in the encoded protein sequence. Algorithms developed to predict the effect of missense changes on protein structure and function all suggest that this variant is likely to be disruptive. The variant was absent in 251024 control chromosomes (gnomAD). c.3793G>A has been observed in individuals affected with Cystic Fibrosis (e.g., Essawi_2015, Martinez-Hernandez_2024, Yildiz_2024). These data indicate that the variant may be associated with disease. To our knowledge, no experimental evidence demonstrating an impact on protein function has been reported. The following publications have been ascertained in the context of this evaluation (PMID: 25688174, 38601560, 39291770). ClinVar contains an entry for this variant (Variation ID: 1706052). Based on the evidence outlined above, the variant was classified as VUS-possibly pathogenic.

Institute of Human Genetics, University of Leipzig Medical Center
Classification: Likely pathogenic for Cystic fibrosis. Last evaluated: 2022-09-05. Review status: criteria provided, single submitter. Criteria: ACMG Guidelines, 2015. Collection method: curation. Allele origin: unknown. Affected: yes. Observed: 2 variant alleles.
Comment: This variant was identified in 2 unrelated patients with a clinically confirmed diagnosis of cystic fibrosis. The variant was classified in the context of a project re-classifying variants in the German Cystic Fibrosis Registry (Muko.e.V.). Criteria applied: PM3_SUP, PM2_SUP, PM5, PP3, PP4

Literature cited by the submitters: PubMed 25688174 (cited by Women's Health and Genetics/Laboratory Corporation of America, LabCorp); PubMed 38601560 (cited by Women's Health and Genetics/Laboratory Corporation of America, LabCorp); PubMed 39291770 (cited by Women's Health and Genetics/Laboratory Corporation of America, LabCorp).